The following is an entry in ClinVar:

NM_000744.7(CHRNA4):c.149A>G (p.Lys50Arg)

Gene: CHRNA4 (cholinergic receptor nicotinic alpha 4 subunit; minus strand). Cytogenetic location: 20q13.33.
Variant type: single nucleotide variant.
Coding change: c.149A>G on transcript NM_000744.7 (MANE Select); coding-DNA position 149, A replaced by G.
Protein change: p.Lys50Arg; replaces lysine 50 with arginine.
Molecular consequence: missense variant. On other transcripts: 5 prime UTR variant (1), non-coding transcript variant (1).
Genome position (GRCh38, 1-based): chr20:63,359,627, T>C on the plus strand (A>G on the coding strand, the complement: CHRNA4 is on the minus strand). VCF-style: chr20-63359627-T-C. GRCh37 (hg19) VCF-style: chr20-61990979-T-C.
Other names: c.-398A>G (NM_001256573.2); short protein forms K50R.
Identifiers: ClinVar variation 3716648 (VCV003716648.2).

ClinVar aggregate classification (germline): Uncertain significance (1 of 4 stars; one submission).

Conditions:
Familial sleep-related hypermotor epilepsy. Also called: Autosomal Dominant Sleep-Related Hypermotor (Hyperkinetic) Epilepsy. Identifiers: Orphanet 98784, MedGen C3696898, MONDO:0000030.

Submission:

Labcorp Genetics (formerly Invitae), Labcorp
Classification: Uncertain significance. Last evaluated: 2024-12-07. Review status: criteria provided, single submitter. Criteria: Invitae Variant Classification Sherloc (09022015). Collection method: clinical testing. Allele origin: germline.
Comment: This sequence change replaces lysine, which is basic and polar, with arginine, which is basic and polar, at codon 50 of the CHRNA4 protein (p.Lys50Arg). This variant is not present in population databases (gnomAD no frequency). This variant has not been reported in the literature in individuals affected with CHRNA4-related conditions. Invitae Evidence Modeling of protein sequence and biophysical properties (such as structural, functional, and spatial information, amino acid conservation, physicochemical variation, residue mobility, and thermodynamic stability) indicates that this missense variant is not expected to disrupt CHRNA4 protein function with a negative predictive value of 80%. Algorithms developed to predict the effect of sequence changes on RNA splicing suggest that this variant may create or strengthen a splice site. In summary, the available evidence is currently insufficient to determine the role of this variant in disease. Therefore, it has been classified as a Variant of Uncertain Significance.